The following is an entry in ClinVar:

ClinVar aggregate classification (germline): Uncertain significance (1 of 4 stars; one submission).

Submission:

GeneDx
Classification: Uncertain significance. Last evaluated: 2024-03-04. Review status: criteria provided, single submitter. Criteria: GeneDx Variant Classification Process June 2021. Collection method: clinical testing. Allele origin: germline. Affected: yes.
Comment: Not observed at significant frequency in large population cohorts (gnomAD); In silico analysis supports that this missense variant has a deleterious effect on protein structure/function; Has not been previously published as pathogenic or benign to our knowledge

NM_005862.3(STAG1):c.2270C>T (p.Pro757Leu)

Gene: STAG1 (STAG1 cohesin complex component; minus strand). Cytogenetic location: 3q22.3.
Variant type: single nucleotide variant.
Coding change: c.2270C>T on transcript NM_005862.3 (MANE Select); coding-DNA position 2270, C replaced by T.
Protein change: p.Pro757Leu; replaces proline 757 with leucine.
Molecular consequence: missense variant.
Genome position (GRCh38, 1-based): chr3:136,398,756, G>A on the plus strand (C>T on the coding strand, the complement: STAG1 is on the minus strand). VCF-style: chr3-136398756-G-A. GRCh37 (hg19) VCF-style: chr3-136117598-G-A.
Other names: short protein forms P757L.
Identifiers: ClinVar variation 3373599 (VCV003373599.1).